The following is an entry in ClinVar:

NM_015331.3(NCSTN):c.289C>T (p.Leu97=)

Gene: NCSTN (nicastrin; plus strand). Cytogenetic location: 1q23.2.
Variant type: single nucleotide variant.
Coding change: c.289C>T on transcript NM_015331.3 (MANE Select); coding-DNA position 289, C replaced by T.
Protein change: p.Leu97=; no amino-acid change (leucine 97 retained).
Molecular consequence: synonymous variant.
Genome position (GRCh38, 1-based): chr1:160,349,097, C>T. VCF-style: chr1-160349097-C-T. GRCh37 (hg19) VCF-style: chr1-160318887-C-T.
Other names: c.229C>T, p.Leu77= (NM_001290184.2); c.289C>T, p.Leu97= (NM_001290186.2, NM_001349729.2).
Identifiers: ClinVar variation 2973456 (VCV002973456.3), dbSNP rs1648687097, ClinGen allele CA421365443.
Genomic context (GRCh38, chr1:160,349,097, plus strand): 5'-GAGAAAGAGGAGGACCTACAGTGGGTATTGACTGATGGCCCCAACCCCCCTTACATGGTT[C>T]TGCTGGAGAGCAAGCATTTTACCAGGTAAGAACTAGATGTATCTGCTGGGAAAACATCCA-3'
Protein context (NP_056146.1, residues 87-107): TDGPNPPYMV[Leu97=]LESKHFTRDL

ClinVar aggregate classification (germline): Uncertain significance (1 of 4 stars; one submission).

Allele frequency attached by ClinVar (database versions not stated): gnomAD exomes below 0.00001; TOPMed 0.00001.
gnomAD v4.1: 1 of 1,614,158 alleles (0.000062%); highest among the groups gnomAD compares: African/African-American, 0.0013%; no homozygotes.

Submission:

Labcorp Genetics (formerly Invitae), Labcorp
Classification: Uncertain significance. Last evaluated: 2023-05-22. Review status: criteria provided, single submitter. Criteria: Invitae Variant Classification Sherloc (09022015). Collection method: clinical testing. Allele origin: germline.
Comment: This sequence change affects codon 97 of the NCSTN mRNA. It is a 'silent' change, meaning that it does not change the encoded amino acid sequence of the NCSTN protein. This variant is not present in population databases (gnomAD no frequency). This variant has not been reported in the literature in individuals affected with NCSTN-related conditions. Algorithms developed to predict the effect of sequence changes on RNA splicing suggest that this variant may disrupt the consensus splice site. In summary, the available evidence is currently insufficient to determine the role of this variant in disease. Therefore, it has been classified as a Variant of Uncertain Significance.